The following is an entry in ClinVar:

ClinVar aggregate classification (germline): Uncertain significance (1 of 4 stars; one submission).

Conditions:
Inborn genetic diseases. Identifiers: MedGen C0950123, MeSH D030342.

Submission:

Ambry Genetics
Classification: Uncertain significance for Inborn genetic diseases. Last evaluated: 2025-06-12. Review status: criteria provided, single submitter. Criteria: Ambry Variant Classification Scheme 2023. Collection method: clinical testing. Allele origin: germline.
Comment: The p.S408N variant (also known as c.1223G>A), located in coding exon 14 of the RTEL1 gene, results from a G to A substitution at nucleotide position 1223. The serine at codon 408 is replaced by asparagine, an amino acid with highly similar properties. This amino acid position is conserved. In addition, this alteration is predicted to be tolerated by in silico analysis. Based on the available evidence, the clinical significance of this variant remains unclear.

NM_001283009.2(RTEL1):c.1223G>A (p.Ser408Asn)

Genes: RTEL1 (regulator of telomere elongation helicase 1; plus strand), RTEL1-TNFRSF6B (RTEL1-TNFRSF6B readthrough (NMD candidate); plus strand). Cytogenetic location: 20q13.33.
Variant type: single nucleotide variant.
Coding change: c.1223G>A on transcript NM_001283009.2 (MANE Select); coding-DNA position 1223, G replaced by A.
Protein change: p.Ser408Asn; replaces serine 408 with asparagine.
Molecular consequence: missense variant. On other transcripts: non-coding transcript variant (1).
Genome position (GRCh38, 1-based): chr20:63,685,554, G>A. VCF-style: chr20-63685554-G-A. GRCh37 (hg19) VCF-style: chr20-62316907-G-A.
Other names: c.554G>A, p.Ser185Asn (NM_001283010.1); c.1223G>A, p.Ser408Asn (NM_016434.4); c.1295G>A, p.Ser432Asn (NM_032957.5); short protein forms S408N, S185N, S432N.
Identifiers: ClinVar variation 3948483 (VCV003948483.1).